The following is an entry in ClinVar:

ClinVar aggregate classification (germline): Likely benign. Review status: criteria provided, multiple submitters, no conflicts (2 of 4 stars). 4 submissions from 4 submitters: Likely benign (3). 1 of the submissions does not count toward it. Last evaluated 2026-01-28.

Conditions:
RYR1-related disorder. Also called: RYR1-related disorders; RYR1-related condition. Identifiers: MedGen CN239331.

Allele frequency attached by ClinVar (database versions not stated): TOPMed below 0.00001; gnomAD 0.00001; gnomAD exomes 0.00001.
gnomAD v4.1: 9 of 1,609,818 alleles (0.00056%); highest among the groups gnomAD compares: East Asian, 0.0089%; no homozygotes.

Submissions (4):

Labcorp Genetics (formerly Invitae), Labcorp
Classification: Likely benign for RYR1-related disorder. Last evaluated: 2026-01-28. Review status: criteria provided, single submitter. Criteria: Invitae Variant Classification Sherloc (09022015). Collection method: clinical testing. Allele origin: germline.

Blueprint Genetics
Classification: Likely benign. Last evaluated: 2021-03-10. Review status: criteria provided, single submitter. Criteria: ACMG Guidelines, 2015. Collection method: clinical testing. Allele origin: germline.

CeGaT Center for Human Genetics Tuebingen
Classification: Likely benign. Last evaluated: 2019-05-01. Review status: criteria provided, single submitter. Criteria: CeGaT Center For Human Genetics Tuebingen Variant Classification Criteria Version 2. Collection method: clinical testing. Allele origin: germline. Affected: yes. Observed: 1 variant allele.

PreventionGenetics, part of Exact Sciences
Classification: Likely benign for RYR1-related condition. Last evaluated: 2023-11-03. Review status: no assertion criteria provided. Collection method: clinical testing. Allele origin: germline. Not counted in ClinVar's aggregate classification.
Comment: This variant is classified as likely benign based on ACMG/AMP sequence variant interpretation guidelines (Richards et al. 2015 PMID: 25741868, with internal and published modifications).

NM_000540.3(RYR1):c.12603C>T (p.Arg4201=)

Gene: RYR1 (ryanodine receptor 1; plus strand). Cytogenetic location: 19q13.2.
Variant type: single nucleotide variant.
Coding change: c.12603C>T on transcript NM_000540.3 (MANE Select); coding-DNA position 12603, C replaced by T.
Protein change: p.Arg4201=; no amino-acid change (arginine 4201 retained).
Molecular consequence: synonymous variant.
Genome position (GRCh38, 1-based): chr19:38,561,433, C>T. VCF-style: chr19-38561433-C-T. GRCh37 (hg19) VCF-style: chr19-39052073-C-T.
Other names: c.12588C>T, p.Arg4196= (NM_001042723.2).
Identifiers: ClinVar variation 544487 (VCV000544487.50), dbSNP rs1273187654, ClinGen allele CA507355418.
Genomic context (GRCh38, chr19:38,561,433, plus strand): 5'-GATCATGGGCGCGTCACGCCGCATCGAGCGCATCTACTTCGAGATCTCAGAGACCAACCG[C>T]GCCCAGTGGGAGATGCCCCAGGTCAGGGAACCCGCGCGCGTGCAAGCTCGCCTCCTGGGG-3'
Protein context (NP_000531.2, residues 4191-4211): RIYFEISETN[Arg4201=]AQWEMPQVKE